The following is an entry in ClinVar:

ClinVar aggregate classification (germline): Uncertain significance (1 of 4 stars; one submission).

Conditions:
Inborn genetic diseases. Identifiers: MedGen C0950123, MeSH D030342.

Submission:

Ambry Genetics
Classification: Uncertain significance for Inborn genetic diseases. Last evaluated: 2025-04-16. Review status: criteria provided, single submitter. Criteria: Ambry Variant Classification Scheme 2023. Collection method: clinical testing. Allele origin: germline.
Comment: The p.A765S variant (also known as c.2293G>T), located in coding exon 1 of the SAMD9L gene, results from a G to T substitution at nucleotide position 2293. The alanine at codon 765 is replaced by serine, an amino acid with similar properties. This amino acid position is conserved. In addition, the in silico prediction for this alteration is inconclusive. Based on the available evidence, the clinical significance of this variant remains unclear.

NM_152703.5(SAMD9L):c.2293G>T (p.Ala765Ser)

Gene: SAMD9L (sterile alpha motif domain containing 9 like; minus strand). Cytogenetic location: 7q21.2.
Variant type: single nucleotide variant.
Coding change: c.2293G>T on transcript NM_152703.5 (MANE Select); coding-DNA position 2293, G replaced by T.
Protein change: p.Ala765Ser; replaces alanine 765 with serine.
Molecular consequence: missense variant.
Genome position (GRCh38, 1-based): chr7:93,133,679, C>A on the plus strand (G>T on the coding strand, the complement: SAMD9L is on the minus strand). VCF-style: chr7-93133679-C-A. GRCh37 (hg19) VCF-style: chr7-92762992-C-A.
Other names: c.2293G>T, p.Ala765Ser (NM_001303496.3, NM_001303497.3, NM_001303498.3 and 5 more transcripts); short protein forms A765S.
Identifiers: ClinVar variation 3949846 (VCV003949846.1).